The following is an entry in ClinVar:

ClinVar aggregate classification (germline): Benign/Likely benign. Review status: criteria provided, multiple submitters, no conflicts (2 of 4 stars). 2 submissions from 2 submitters: Benign (1); Likely benign (1). Last evaluated 2022-04-01.

Submissions (2):

CeGaT Center for Human Genetics Tuebingen
Classification: Benign. Last evaluated: 2022-04-01. Review status: criteria provided, single submitter. Criteria: CeGaT Center For Human Genetics Tuebingen Variant Classification Criteria Version 2. Collection method: clinical testing. Allele origin: germline. Affected: yes. Observed: 3 variant alleles.
Comment: TCF4: BS1, BS2

Blueprint Genetics
Classification: Likely benign. Last evaluated: 2018-06-27. Review status: criteria provided, single submitter. Criteria: ACMG Guidelines, 2015. Collection method: clinical testing. Allele origin: germline.

NM_001083962.2(TCF4):c.549+28099AG[2]

Gene: TCF4 (transcription factor 4; minus strand). Cytogenetic location: 18q21.2.
Variant type: Microsatellite.
Coding change: c.549+28099AG[2] on transcript NM_001083962.2 (MANE Select); two copies in a row of the 2-base unit AG starting at c.549+28099; the reference has three copies in a row; one copy, 2 bases deleted.
Molecular consequence: intron variant.
Genome position (GRCh38, 1-based): chr18:55,322,255-55,322,256, CT deleted on the plus strand (AG on the coding strand, the reverse complement: TCF4 is on the minus strand); deleting any 2 consecutive bases within chr18:55,322,255-55,322,260 gives the same sequence; the position shown is the placement nearest the transcript's 3' end. VCF-style (leftmost placement, unchanged base first): chr18-55322254-CCT-C. GRCh37 (hg19) VCF-style: chr18-52989485-CCT-C.
Other names: c.423+28099AG[2] (NM_001243231.2, NM_001348211.2); c.159+28099AG[2] (NM_001348212.2, NM_001348213.2, NM_001243233.2 and 1 more transcripts); c.474+28099AG[2] (NM_001348220.1, NM_001369584.1, NM_001369576.1 and 3 more transcripts); c.477+28099AG[2] (NM_001306207.1, NM_001348217.1, NM_001369577.1 and 9 more transcripts); c.336+28099AG[2] (NM_001306208.1, NM_001243232.1); c.855+28099AG[2] (NM_001243226.3); c.549+28099AG[2] (NM_001369571.1, NM_001369567.1, NM_001243228.2 and 5 more transcripts); c.543+28099AG[2] (NM_001243230.2); and 1 more.
Identifiers: ClinVar variation 1675707 (VCV001675707.34), dbSNP rs142035505, ClinGen allele CA301127990.
Genomic context (GRCh38, chr18:55,322,254, plus strand): 5'-CAGGGTCCATTATTGAGCAGAATACAAATGCAGTTAATTGACTCCCCCTCTCTCTCTCTC[CCT>C]CTCTTTCTTTTTTGTTTTAATTTGATTAAAAAGCGAGTGGCAGGAAGGGAATCGTATGAT-3'